The following is an entry in ClinVar:

NM_021023.6(CFHR3):c.613+2T>C

Gene: CFHR3 (complement factor H related 3; plus strand). Cytogenetic location: 1q31.3.
Variant type: single nucleotide variant.
Coding change: c.613+2T>C on transcript NM_021023.6 (MANE Select); the canonical splice donor site of the intron after coding-DNA position 613, T replaced by C.
Molecular consequence: splice donor variant. On other transcripts: intron variant (1).
Genome position (GRCh38, 1-based): chr1:196,788,400, T>C. VCF-style: chr1-196788400-T-C. GRCh37 (hg19) VCF-style: chr1-196757530-T-C.
Other names: NC_000001.10:g.196757530T>C; c.431-1645T>C (NM_001166624.2).
Identifiers: ClinVar variation 771691 (VCV000771691.26), dbSNP rs138839071, ClinGen allele CA1306196.

ClinVar aggregate classification (germline): Conflicting classifications of pathogenicity. Review status: criteria provided, conflicting classifications (1 of 4 stars). 5 submissions from 5 submitters: Uncertain significance (2); Benign (3). Last evaluated 2026-04-01.

Conditions:
Primary ciliary dyskinesia. Also called: Ciliary dyskinesia. Identifiers: Orphanet 244, MedGen C0008780, MONDO:0016575, HP:0012265.

Allele frequency attached by ClinVar (database versions not stated): 1000 Genomes Project 0.00160; 1000 Genomes Project 30x 0.00172; ESP Exome Variant Server 0.00223; gnomAD 0.00230 and 0.00248.
gnomAD v4.1: 5,347 of 1,528,264 alleles (0.35%); highest among the groups gnomAD compares: South Asian, 1.1%; 950 homozygotes.

Submissions (8):

Department of Human Genetics, Hannover Medical School
Classification: Uncertain significance for Primary Ciliary Dyskinesia. Last evaluated: 2026-04-01. Review status: criteria provided, single submitter. Criteria: ACMG Guidelines, 2015. Collection method: research. Allele origin: germline. Affected: no.
Comment: Classification performed by HerediClassify using the following criteria:['PVS1_splicing_strong: Transcript ENST00000367425 does not undergo NMD and reading frame is preserved. Protein length change of 0.18484848484848482 observed.']

CeGaT Center for Human Genetics Tuebingen
Classification: Benign. Last evaluated: 2024-05-01. Review status: criteria provided, single submitter. Criteria: CeGaT Center For Human Genetics Tuebingen Variant Classification Criteria Version 2. Collection method: clinical testing. Allele origin: germline. Affected: yes. Observed: 1 variant allele.
Comment: CFHR3: BS1, BS2

Mayo Clinic Laboratories, Mayo Clinic
Classification: Uncertain significance. Last evaluated: 2022-10-28. Review status: criteria provided, single submitter. Criteria: ACMG Guidelines, 2015. Collection method: clinical testing. Allele origin: germline. Observed: 9 variant alleles.
Comment: BS1, PP3

Labcorp Genetics (formerly Invitae), Labcorp
Classification: Benign. Last evaluated: 2018-06-26. Review status: criteria provided, single submitter. Criteria: Invitae Variant Classification Sherloc (09022015). Collection method: clinical testing. Allele origin: germline.

Breakthrough Genomics
Classification: Benign. Review status: criteria provided, single submitter. Criteria: ACMG Guidelines, 2015. Collection method: not provided. Allele origin: germline. Inheritance: Autosomal recessive inheritance. Affected: yes.

Dr. Peter K. Rogan Lab, Western University
No classification provided (evidence only). Condition: Malignant tumor of urinary bladder. Review status: no classification provided. Collection method: in vitro. Allele origin: not applicable. Functional consequence: retained intron. Not counted in ClinVar's aggregate classification.

Dr. Peter K. Rogan Lab, Western University
No classification provided (evidence only). Condition: Hepatocellular carcinoma. Review status: no classification provided. Collection method: in vitro. Allele origin: not applicable. Functional consequence: skipped exon, retained intron. Not counted in ClinVar's aggregate classification.

Dr. Peter K. Rogan Lab, Western University
No classification provided (evidence only). Condition: Cholangiocarcinoma. Review status: no classification provided. Collection method: in vitro. Allele origin: not applicable. Functional consequence: skipped exon, retained intron. Not counted in ClinVar's aggregate classification.

Literature cited by the submitters: PubMed 34965590 (cited by Mayo Clinic Laboratories, Mayo Clinic).